The following is an entry in ClinVar:

ClinVar aggregate classification (germline): Uncertain significance. Review status: criteria provided, multiple submitters, no conflicts (2 of 4 stars). 2 submissions from 2 submitters: Uncertain significance (2). Last evaluated 2024-03-19.

Conditions:
DICER1-related tumor predisposition. Also called: DICER1 syndrome; DICER1-related pleuropulmonary blastoma cancer predisposition syndrome. Identifiers: Orphanet 284343, MedGen C3839822, MONDO:0100216.
Hereditary cancer-predisposing syndrome. Also called: Neoplastic Syndromes, Hereditary; Tumor predisposition; Hereditary Cancer Syndrome; Hereditary neoplastic syndrome. Identifiers: Orphanet 140162, MedGen C0027672, MeSH D009386, MONDO:0015356.

Submissions (2):

Ambry Genetics
Classification: Uncertain significance for Hereditary cancer-predisposing syndrome. Last evaluated: 2024-03-19. Review status: criteria provided, single submitter. Criteria: Ambry Variant Classification Scheme 2023. Collection method: clinical testing. Allele origin: germline.
Comment: The p.D1522V variant (also known as c.4565A>T), located in coding exon 22 of the DICER1 gene, results from an A to T substitution at nucleotide position 4565. The aspartic acid at codon 1522 is replaced by valine, an amino acid with highly dissimilar properties. This amino acid position is highly conserved in available vertebrate species. In addition, this alteration is predicted to be deleterious by in silico analysis. Since supporting evidence is limited at this time, the clinical significance of this alteration remains unclear.

Labcorp Genetics (formerly Invitae), Labcorp
Classification: Uncertain significance for DICER1-related tumor predisposition. Last evaluated: 2022-04-01. Review status: criteria provided, single submitter. Criteria: Invitae Variant Classification Sherloc (09022015). Collection method: clinical testing. Allele origin: germline.
Comment: In summary, the available evidence is currently insufficient to determine the role of this variant in disease. Therefore, it has been classified as a Variant of Uncertain Significance. Algorithms developed to predict the effect of missense changes on protein structure and function are either unavailable or do not agree on the potential impact of this missense change (SIFT: "Deleterious"; PolyPhen-2: "Probably Damaging"; Align-GVGD: "Class C15"). This variant has not been reported in the literature in individuals affected with DICER1-related conditions. This variant is not present in population databases (gnomAD no frequency). This sequence change replaces aspartic acid, which is acidic and polar, with valine, which is neutral and non-polar, at codon 1522 of the DICER1 protein (p.Asp1522Val).

NM_177438.3(DICER1):c.4565A>T (p.Asp1522Val)

Gene: DICER1 (dicer 1, ribonuclease III; minus strand). Cytogenetic location: 14q32.13.
Variant type: single nucleotide variant.
Coding change: c.4565A>T on transcript NM_177438.3 (MANE Select); coding-DNA position 4565, A replaced by T.
Protein change: p.Asp1522Val; replaces aspartic acid 1522 with valine.
Molecular consequence: missense variant. On other transcripts: non-coding transcript variant (6).
Genome position (GRCh38, 1-based): chr14:95,096,355, T>A on the plus strand (A>T on the coding strand, the complement: DICER1 is on the minus strand). VCF-style: chr14-95096355-T-A. GRCh37 (hg19) VCF-style: chr14-95562692-T-A.
Other names: c.4565A>T, p.Asp1522Val (NM_001195573.1, NM_001271282.3, NM_001291628.2 and 13 more transcripts); c.4283A>T, p.Asp1428Val (NM_001395686.1); c.4160A>T, p.Asp1387Val (NM_001395687.1, NM_001395688.1, NM_001395689.1 and 2 more transcripts); c.3998A>T, p.Asp1333Val (NM_001395691.1); c.2882A>T, p.Asp961Val (NM_001395697.1); short protein forms D1428V, D1522V, D961V, D1387V, D1333V.
Identifiers: ClinVar variation 1741510 (VCV001741510.8), dbSNP rs113234676, ClinGen allele CA390867802.